The following is an entry in ClinVar:

NM_005911.6(MAT2A):c.859T>C (p.Tyr287His)

Genes: GGCX (gamma-glutamyl carboxylase; minus strand), MAT2A (methionine adenosyltransferase 2A; plus strand). Cytogenetic location: 2p11.2.
Variant type: single nucleotide variant.
Coding change: c.859T>C on transcript NM_005911.6 (MANE Select); coding-DNA position 859, T replaced by C.
Protein change: p.Tyr287His; replaces tyrosine 287 with histidine.
Molecular consequence: missense variant.
Genome position (GRCh38, 1-based): chr2:85,542,655, T>C. VCF-style: chr2-85542655-T-C. GRCh37 (hg19) VCF-style: chr2-85769778-T-C.
Other names: short protein forms Y287H.
Identifiers: ClinVar variation 4777463 (VCV004777463.1).

ClinVar aggregate classification (germline): Uncertain significance (1 of 4 stars; one submission).

Conditions:
Familial thoracic aortic aneurysm and aortic dissection (TAAD). Also called: Thoracic aortic aneurysms and dissections. Identifiers: Orphanet 91387, MedGen C4707243, MONDO:0019625.

Submission:

Labcorp Genetics (formerly Invitae), Labcorp
Classification: Uncertain significance for Familial thoracic aortic aneurysm and aortic dissection. Last evaluated: 2025-12-06. Review status: criteria provided, single submitter. Criteria: Invitae Variant Classification Sherloc (09022015). Collection method: clinical testing. Allele origin: germline.
Comment: This sequence change replaces tyrosine, which is neutral and polar, with histidine, which is basic and polar, at codon 287 of the MAT2A protein (p.Tyr287His). This variant is not present in population databases (gnomAD no frequency). This variant has not been reported in the literature in individuals affected with MAT2A-related conditions. Invitae Evidence Modeling of protein sequence and biophysical properties (such as structural, functional, and spatial information, amino acid conservation, physicochemical variation, residue mobility, and thermodynamic stability) indicates that this missense variant is not expected to disrupt MAT2A protein function with a negative predictive value of 80%. In summary, the available evidence is currently insufficient to determine the role of this variant in disease. Therefore, it has been classified as a Variant of Uncertain Significance.